The following is an entry in ClinVar:

NM_001243925.2(MAPKAPK3):c.1078C>T (p.Arg360Trp)

Gene: MAPKAPK3 (MAPK activated protein kinase 3; plus strand). Cytogenetic location: 3p21.2.
Variant type: single nucleotide variant.
Coding change: c.1078C>T on transcript NM_001243925.2 (MANE Select); coding-DNA position 1078, C replaced by T.
Protein change: p.Arg360Trp; replaces arginine 360 with tryptophan.
Molecular consequence: missense variant.
Genome position (GRCh38, 1-based): chr3:50,647,975, C>T. VCF-style: chr3-50647975-C-T. GRCh37 (hg19) VCF-style: chr3-50685406-C-T.
Other names: c.1078C>T, p.Arg360Trp (NM_001243926.2, NM_004635.5); short protein forms R360W.
Identifiers: ClinVar variation 857650 (VCV000857650.8), dbSNP rs762190469, ClinGen allele CA2420478.

ClinVar aggregate classification (germline): Uncertain significance (1 of 4 stars; one submission).

Allele frequency attached by ClinVar (database versions not stated): ExAC 0.00001; gnomAD exomes 0.00001; TOPMed 0.00002.
gnomAD v4.1: 7 of 1,613,858 alleles (0.00043%); highest among the groups gnomAD compares: East Asian, 0.0022%; no homozygotes.

Submission:

Labcorp Genetics (formerly Invitae), Labcorp
Classification: Uncertain significance. Last evaluated: 2022-06-20. Review status: criteria provided, single submitter. Criteria: Invitae Variant Classification Sherloc (09022015). Collection method: clinical testing. Allele origin: germline.
Comment: In summary, the available evidence is currently insufficient to determine the role of this variant in disease. Therefore, it has been classified as a Variant of Uncertain Significance. Algorithms developed to predict the effect of missense changes on protein structure and function are either unavailable or do not agree on the potential impact of this missense change (SIFT: "Deleterious"; PolyPhen-2: "Possibly Damaging"; Align-GVGD: "Class C0"). ClinVar contains an entry for this variant (Variation ID: 857650). This variant has not been reported in the literature in individuals affected with MAPKAPK3-related conditions. This variant is present in population databases (rs762190469, gnomAD 0.006%). This sequence change replaces arginine, which is basic and polar, with tryptophan, which is neutral and slightly polar, at codon 360 of the MAPKAPK3 protein (p.Arg360Trp).